The following is an entry in ClinVar:

ClinVar aggregate classification (germline): Benign/Likely benign. Review status: criteria provided, multiple submitters, no conflicts (2 of 4 stars). 5 submissions from 5 submitters: Benign (2); Likely benign (2). 1 of the submissions does not count toward it. Last evaluated 2026-02-02.

Conditions:
Retinal dystrophy. Also called: Inherited retinal dystrophy. Identifiers: Orphanet 71862, MedGen C0854723, MeSH D058499, MONDO:0019118, HP:0000556.
Retinitis pigmentosa 45 (RP45). Identifiers: Orphanet 791, MedGen C3151066, MONDO:0013413, OMIM 613767.

Allele frequency attached by ClinVar (database versions not stated): gnomAD exomes 0.01096 and 0.01085; ExAC 0.01145; gnomAD 0.02046 and 0.02173; 1000 Genomes Project 0.01877; 1000 Genomes Project 30x 0.01936; ESP Exome Variant Server 0.02151; TOPMed 0.02200.
gnomAD v4.1: 19,231 of 1,614,112 alleles (1.2%); highest among the groups gnomAD compares: African/African-American, 4.9%; 175 homozygotes.

Submissions (5):

Labcorp Genetics (formerly Invitae), Labcorp
Classification: Benign. Last evaluated: 2026-02-02. Review status: criteria provided, single submitter. Criteria: Invitae Variant Classification Sherloc (09022015). Collection method: clinical testing. Allele origin: germline.

ARUP Laboratories, Molecular Genetics and Genomics, ARUP Laboratories
Classification: Benign for Retinitis pigmentosa 45. Last evaluated: 2023-11-09. Review status: criteria provided, single submitter. Criteria: ARUP Molecular Germline Variant Investigation Process 2024. Collection method: clinical testing. Allele origin: germline.

Center for Pediatric Genomic Medicine, Children's Mercy Hospital and Clinics
Classification: Likely benign. Last evaluated: 2016-02-11. Review status: criteria provided, single submitter. Criteria: ACMG Guidelines, 2015. Collection method: clinical testing. Allele origin: germline.
ClinVar note: Converted during submission from Likely Benign to Likely benign.

Breakthrough Genomics
Classification: Likely benign. Review status: criteria provided, single submitter. Criteria: ACMG Guidelines, 2015. Collection method: not provided. Allele origin: germline. Inheritance: Autosomal recessive inheritance. Affected: yes.

Institute of Human Genetics, Univ. Regensburg, Univ. Regensburg
Classification: Likely benign for Retinal dystrophy. Last evaluated: 2013-01-01. Review status: no assertion criteria provided. Criteria: ACMG Guidelines, 2015. Collection method: clinical testing. Allele origin: germline. Affected: yes. Not counted in ClinVar's aggregate classification.

NM_001297.5(CNGB1):c.2854G>A (p.Val952Met)

Gene: CNGB1 (cyclic nucleotide gated channel subunit beta 1; minus strand). Cytogenetic location: 16q21.
Variant type: single nucleotide variant.
Coding change: c.2854G>A on transcript NM_001297.5 (MANE Select); coding-DNA position 2854, G replaced by A.
Protein change: p.Val952Met; replaces valine 952 with methionine.
Molecular consequence: missense variant.
Genome position (GRCh38, 1-based): chr16:57,901,566, C>T on the plus strand (G>A on the coding strand, the complement: CNGB1 is on the minus strand). VCF-style: chr16-57901566-C-T. GRCh37 (hg19) VCF-style: chr16-57935470-C-T.
Other names: c.2836G>A, p.Val946Met (NM_001286130.2); short protein forms V952M, V946M.
Identifiers: ClinVar variation 235409 (VCV000235409.22), dbSNP rs79889567, ClinGen allele CA8082798.